The following is an entry in ClinVar:

NM_000077.5(CDKN2A):c.151-10_151-9delinsCT

Gene: CDKN2A (cyclin dependent kinase inhibitor 2A; minus strand). Cytogenetic location: 9p21.3.
Variant type: Indel.
Coding change: c.151-10_151-9delinsCT on transcript NM_000077.5 (MANE Select); 10 bases into the intron before coding-DNA position 151 through 9 bases into the intron before coding-DNA position 151, TC replaced by CT.
Molecular consequence: intron variant.
Genome position (GRCh38, 1-based): chr9:21,971,217-21,971,218, GA replaced by AG on the plus strand (TC replaced by CT on the coding strand, the reverse complement: CDKN2A is on the minus strand). VCF-style: chr9-21971217-GA-AG. GRCh37 (hg19) VCF-style: chr9-21971216-GA-AG.
Other names: c.-3-10_-3-9delinsCT (NM_001363763.2); c.194-10_194-9delinsCT (NM_058195.4); c.151-10_151-9delinsCT (NM_001195132.2); c.*74-10_*74-9delinsCT (NM_058197.5).
Identifiers: ClinVar variation 3652900 (VCV003652900.2).

ClinVar aggregate classification (germline): Uncertain significance (1 of 4 stars; one submission).

Conditions:
Familial melanoma. Also called: Hereditary melanoma; Hereditary cutaneous melanoma. Identifiers: Orphanet 618, MedGen C1512419, MONDO:0018961.

Submission:

Labcorp Genetics (formerly Invitae), Labcorp
Classification: Uncertain significance for Familial melanoma. Last evaluated: 2024-05-10. Review status: criteria provided, single submitter. Criteria: Invitae Variant Classification Sherloc (09022015). Collection method: clinical testing. Allele origin: germline.
Comment: The CDKN2A gene encodes two different proteins, p16INK4a and p14ARF, which are translated from alternative transcripts with different open reading frames. Both transcripts have been analyzed. We report either the variant with the higher classification or default to the CDKN2A (p16INK4a) variant. This report therefore includes the details for the CDKN2A (p16INK4a) variant. This sequence change falls in intron 1 of the CDKN2A (p16INK4a) gene. It does not directly change the encoded amino acid sequence of the CDKN2A (p16INK4a) protein. Information on the frequency of this variant in the gnomAD database is not available, as this variant may be reported differently in the database. This variant has not been reported in the literature in individuals affected with CDKN2A (p16INK4a)-related conditions. This variant is also known as c.194-10_194-9delinsCT (Intronic) in CDKN2A (p14ARF) transcript. Experimental studies and prediction algorithms are not available or were not evaluated, and the effect of this variant on mRNA splicing is currently unknown. In summary, the available evidence is currently insufficient to determine the role of this variant in disease. Therefore, it has been classified as a Variant of Uncertain Significance.